The following is an entry in ClinVar:

NM_203288.2(RP9):c.612G>A (p.Lys204=)

Gene: RP9 (RP9 pre-mRNA splicing factor; minus strand). Cytogenetic location: 7p14.3.
Variant type: single nucleotide variant.
Coding change: c.612G>A on transcript NM_203288.2 (MANE Select); coding-DNA position 612, G replaced by A.
Protein change: p.Lys204=; no amino-acid change (lysine 204 retained).
Molecular consequence: synonymous variant.
Genome position (GRCh38, 1-based): chr7:33,095,288, C>T on the plus strand (G>A on the coding strand, the complement: RP9 is on the minus strand). VCF-style: chr7-33095288-C-T. GRCh37 (hg19) VCF-style: chr7-33134900-C-T.
Identifiers: ClinVar variation 3053354 (VCV003053354.2), dbSNP rs576293321, ClinGen allele CA4213688.
Genomic context (GRCh38, chr7:33,095,288, plus strand): 5'-TCCTTGTCACTCTGAGTCAGAACCCTCATTTGACTTGGAAGATTTGTGCTTCCGTTTTTT[C>T]TTCTTTTTCTTTTCTTTCTTCCTTTTCTTATGCTTTTCTTTCTTCTTCTTTTTCTTGTGT-3'
Protein context (NP_976033.1, residues 194-214): HKKRKKEKKK[Lys204=]KKRKHKSSKS

ClinVar aggregate classification (germline): Likely benign (0 of 4 stars; one submission).

Conditions:
RP9-related disorder. Also called: RP9-related condition.

Allele frequency attached by ClinVar (database versions not stated): ExAC 0.00025; gnomAD 0.00034; TOPMed 0.00034; 1000 Genomes Project 0.00280.
gnomAD v4.1: 99 of 1,611,638 alleles (0.0061%); highest among the groups gnomAD compares: African/African-American, 0.12%; 1 homozygote.

Submission:

PreventionGenetics, part of Exact Sciences
Classification: Likely benign for RP9-related condition. Last evaluated: 2022-06-01. Review status: no assertion criteria provided. Collection method: clinical testing. Allele origin: germline.
Comment: This variant is classified as likely benign based on ACMG/AMP sequence variant interpretation guidelines (Richards et al. 2015 PMID: 25741868, with internal and published modifications).